The following is an entry in ClinVar:

ClinVar aggregate classification (germline): Uncertain significance (1 of 4 stars; one submission).

Allele frequency attached by ClinVar (database versions not stated): TOPMed below 0.00001; ExAC 0.00010.
gnomAD v4.1: 21 of 1,512,020 alleles (0.0014%); highest among the groups gnomAD compares: South Asian, 0.02%; no homozygotes.

Submission:

Labcorp Genetics (formerly Invitae), Labcorp
Classification: Uncertain significance. Last evaluated: 2022-08-09. Review status: criteria provided, single submitter. Criteria: Invitae Variant Classification Sherloc (09022015). Collection method: clinical testing. Allele origin: germline.
Comment: This sequence change replaces proline, which is neutral and non-polar, with serine, which is neutral and polar, at codon 18 of the LRPPRC protein (p.Pro18Ser). The frequency data for this variant in the population databases is considered unreliable, as metrics indicate poor data quality at this position in the gnomAD database. This variant has not been reported in the literature in individuals affected with LRPPRC-related conditions. Algorithms developed to predict the effect of missense changes on protein structure and function output the following: SIFT: "Tolerated"; PolyPhen-2: "Not Available"; Align-GVGD: "Class C0". The serine amino acid residue is found in multiple mammalian species, which suggests that this missense change does not adversely affect protein function. In summary, the available evidence is currently insufficient to determine the role of this variant in disease. Therefore, it has been classified as a Variant of Uncertain Significance.

NM_133259.4(LRPPRC):c.52C>T (p.Pro18Ser)

Gene: LRPPRC (leucine rich pentatricopeptide repeat containing; minus strand). Cytogenetic location: 2p21.
Variant type: single nucleotide variant.
Coding change: c.52C>T on transcript NM_133259.4 (MANE Select); coding-DNA position 52, C replaced by T.
Protein change: p.Pro18Ser; replaces proline 18 with serine.
Molecular consequence: missense variant.
Genome position (GRCh38, 1-based): chr2:43,995,896, G>A on the plus strand (C>T on the coding strand, the complement: LRPPRC is on the minus strand). VCF-style: chr2-43995896-G-A. GRCh37 (hg19) VCF-style: chr2-44223035-G-A.
Other names: short protein forms P18S.
Identifiers: ClinVar variation 2198642 (VCV002198642.1), dbSNP rs765539449, ClinGen allele CA1639474.